The following is an entry in ClinVar:

ClinVar aggregate classification (germline): Uncertain significance (1 of 4 stars; one submission).

Allele frequency attached by ClinVar (database versions not stated): TOPMed below 0.00001; gnomAD 0.00001; gnomAD exomes 0.00001 and 0.00002.
gnomAD v4.1: 27 of 1,614,088 alleles (0.0017%); highest among the groups gnomAD compares: Non-Finnish European, 0.0023%; no homozygotes.

Submission:

Labcorp Genetics (formerly Invitae), Labcorp
Classification: Uncertain significance. Last evaluated: 2021-09-02. Review status: criteria provided, single submitter. Criteria: Invitae Variant Classification Sherloc (09022015). Collection method: clinical testing. Allele origin: germline.
Comment: In summary, the available evidence is currently insufficient to determine the role of this variant in disease. Therefore, it has been classified as a Variant of Uncertain Significance. Algorithms developed to predict the effect of missense changes on protein structure and function (SIFT, PolyPhen-2, Align-GVGD) all suggest that this variant is likely to be tolerated. This variant has not been reported in the literature in individuals affected with RCBTB1-related conditions. This variant is not present in population databases (ExAC no frequency). This sequence change replaces lysine with arginine at codon 74 of the RCBTB1 protein (p.Lys74Arg). The lysine residue is highly conserved and there is a small physicochemical difference between lysine and arginine.

NM_018191.4(RCBTB1):c.221A>G (p.Lys74Arg)

Gene: RCBTB1 (RCC1 and BTB domain containing protein 1; minus strand). Cytogenetic location: 13q14.2.
Variant type: single nucleotide variant.
Coding change: c.221A>G on transcript NM_018191.4 (MANE Select); coding-DNA position 221, A replaced by G.
Protein change: p.Lys74Arg; replaces lysine 74 with arginine.
Molecular consequence: missense variant. On other transcripts: 5 prime UTR variant (1), non-coding transcript variant (2).
Genome position (GRCh38, 1-based): chr13:49,566,674, T>C on the plus strand (A>G on the coding strand, the complement: RCBTB1 is on the minus strand). VCF-style: chr13-49566674-T-C. GRCh37 (hg19) VCF-style: chr13-50140810-T-C.
Other names: c.221A>G, p.Lys74Arg (NM_001352500.2, NM_001352501.2, NM_001352502.2 and 3 more transcripts); c.-389A>G (NM_001352506.2); short protein forms K74R.
Identifiers: ClinVar variation 1517692 (VCV001517692.4), dbSNP rs1288444050, ClinGen allele CA388195336.
Genomic context (GRCh38, chr13:49,566,674, plus strand): 5'-TTACCTTCGGTGCTGAGAAGAACATGTGGTCCACTCCCGTAACTGAGGCTTTTAATCTTC[T>C]TTCCACATAAGCCTTCTAGCTTTTTGGGTACAAGTGTACTCTGGTTATCTCCAGTTCCTA-3'
Protein context (NP_060661.3, residues 64-84): VPKKLEGLCG[Lys74Arg]KIKSLSYGSG